The following is an entry in ClinVar:

ClinVar aggregate classification (germline): Likely benign (0 of 4 stars; one submission).

Conditions:
TMTC3-related disorder. Also called: TMTC3-related condition.

Allele frequency attached by ClinVar (database versions not stated): gnomAD 0.00001; gnomAD exomes 0.00001; TOPMed 0.00001; ExAC 0.00002.
gnomAD v4.1: 4 of 1,597,162 alleles (0.00025%); highest among the groups gnomAD compares: Non-Finnish European, 0.00034%; no homozygotes.

Submission:

PreventionGenetics, part of Exact Sciences
Classification: Likely benign for TMTC3-related condition. Last evaluated: 2022-11-10. Review status: no assertion criteria provided. Collection method: clinical testing. Allele origin: germline.
Comment: This variant is classified as likely benign based on ACMG/AMP sequence variant interpretation guidelines (Richards et al. 2015 PMID: 25741868, with internal and published modifications).

NM_181783.4(TMTC3):c.1933+3A>G

Gene: TMTC3 (transmembrane O-mannosyltransferase targeting cadherins 3; plus strand). Cytogenetic location: 12q21.32.
Variant type: single nucleotide variant.
Coding change: c.1933+3A>G on transcript NM_181783.4 (MANE Select); 3 bases into the intron after coding-DNA position 1933, A replaced by G.
Molecular consequence: intron variant.
Genome position (GRCh38, 1-based): chr12:88,192,833, A>G. VCF-style: chr12-88192833-A-G. GRCh37 (hg19) VCF-style: chr12-88586610-A-G.
Other names: c.1714+3A>G (NM_001366579.1); c.1753+3A>G (NM_001366574.1); c.1666+3A>G (NM_001366580.1); c.1240+3A>G (NM_001366583.1).
Identifiers: ClinVar variation 3030416 (VCV003030416.2), dbSNP rs768036404, ClinGen allele CA6713391.